The following is an entry in ClinVar:

NM_000500.9(CYP21A2):c.958G>T (p.Glu320Ter)

Genes: CYP21A2 (cytochrome P450 family 21 subfamily A member 2; plus strand), LOC106780800 (CYP21A2 recombination region; plus strand). Cytogenetic location: 6p21.33.
Variant type: single nucleotide variant.
Coding change: c.958G>T on transcript NM_000500.9 (MANE Select); coding-DNA position 958, G replaced by T.
Protein change: p.Glu320Ter; replaces glutamic acid 320 with a stop codon.
Molecular consequence: nonsense.
Genome position (GRCh38, 1-based): chr6:32,040,424, G>T. VCF-style: chr6-32040424-G-T. GRCh37 (hg19) VCF-style: chr6-32008201-G-T.
Other names: c.868G>T, p.Glu290Ter (NM_001128590.4); c.553G>T, p.Glu185Ter (NM_001368143.2, NM_001368144.2); short protein forms E185*, E290*, E320*.
Identifiers: ClinVar variation 3347521 (VCV003347521.1).
Genomic context (GRCh38, chr6:32,040,424, plus strand): 5'-CTGTGGGCTGCTGGGGCAGGACTCCACCCGATCATTCCCCAGATTCAGCAGCGACTGCAG[G>T]AGGAGCTAGACCACGAACTGGGCCCTGGTGCCTCCAGCTCCCGGGTCCCCTACAAGGACC-3'

ClinVar aggregate classification (germline): Pathogenic (0 of 4 stars; one submission).

Conditions:
CYP21A2-related disorder. Also called: CYP21A2-related condition.

Submission:

PreventionGenetics, part of Exact Sciences
Classification: Pathogenic for CYP21A2-related condition. Last evaluated: 2024-07-24. Review status: no assertion criteria provided. Collection method: clinical testing. Allele origin: germline.
Comment: The CYP21A2 c.958G>T variant is predicted to result in premature protein termination (p.Glu320*). To our knowledge, this variant has not been reported in the literature or in a large population database, indicating this variant is rare. Nonsense variants in CYP21A2 are expected to be pathogenic. As a nonsense variant resulting in a null allele, this variant is expected to be associated with salt-wasting (SW) congenital adrenal hyperplasia (CAH). This variant is interpreted as pathogenic.